The following is an entry in ClinVar:

NM_182961.4(SYNE1):c.3304C>T (p.His1102Tyr)

Gene: SYNE1 (spectrin repeat containing nuclear envelope protein 1; minus strand). Cytogenetic location: 6q25.2.
Variant type: single nucleotide variant.
Coding change: c.3304C>T on transcript NM_182961.4 (MANE Select); coding-DNA position 3304, C replaced by T.
Protein change: p.His1102Tyr; replaces histidine 1102 with tyrosine.
Molecular consequence: missense variant.
Genome position (GRCh38, 1-based): chr6:152,450,716, G>A on the plus strand (C>T on the coding strand, the complement: SYNE1 is on the minus strand). VCF-style: chr6-152450716-G-A. GRCh37 (hg19) VCF-style: chr6-152771851-G-A.
Other names: c.3325C>T, p.His1109Tyr (NM_033071.5); short protein forms H1102Y, H1109Y.
Identifiers: ClinVar variation 963010 (VCV000963010.10), dbSNP rs2098640852, ClinGen allele CA366149713.

ClinVar aggregate classification (germline): Uncertain significance (1 of 4 stars; one submission).

Conditions:
Autosomal recessive ataxia, Beauce type. Also called: Spinocerebellar ataxia, autosomal recessive 8; ATAXIA, RECESSIVE, OF BEAUCE; SYNE1-Related Autosomal Recessive Cerebellar Ataxia; SYNE1 Deficiency. Identifiers: Orphanet 88644, MedGen C1853116, MONDO:0012549, OMIM 610743.
Emery-Dreifuss muscular dystrophy 4, autosomal dominant (EDMD4). Also called: EMERY-DREIFUSS MUSCULAR DYSTROPHY 4 WITH VARIABLE FEATURES. Identifiers: Orphanet 261, MedGen C2751807, MONDO:0013071, OMIM 612998.

Submission:

Labcorp Genetics (formerly Invitae), Labcorp
Classification: Uncertain significance for Emery-Dreifuss muscular dystrophy 4, autosomal dominant; Autosomal recessive ataxia, Beauce type. Last evaluated: 2022-07-25. Review status: criteria provided, single submitter. Criteria: Invitae Variant Classification Sherloc (09022015). Collection method: clinical testing. Allele origin: germline.
Comment: This variant has not been reported in the literature in individuals affected with SYNE1-related conditions. In summary, the available evidence is currently insufficient to determine the role of this variant in disease. Therefore, it has been classified as a Variant of Uncertain Significance. Algorithms developed to predict the effect of missense changes on protein structure and function are either unavailable or do not agree on the potential impact of this missense change (SIFT: "Deleterious"; PolyPhen-2: "Benign"; Align-GVGD: "Class C0"). ClinVar contains an entry for this variant (Variation ID: 963010). This variant is not present in population databases (gnomAD no frequency). This sequence change replaces histidine, which is basic and polar, with tyrosine, which is neutral and polar, at codon 1109 of the SYNE1 protein (p.His1109Tyr).